The following is an entry in ClinVar:

NM_000465.4(BARD1):c.159-5A>G

Gene: BARD1 (BRCA1 associated RING domain 1; minus strand). Cytogenetic location: 2q35.
Variant type: single nucleotide variant.
Coding change: c.159-5A>G on transcript NM_000465.4 (MANE Select); 5 bases into the intron before coding-DNA position 159, A replaced by G.
Molecular consequence: intron variant.
Genome position (GRCh38, 1-based): chr2:214,797,122, T>C on the plus strand (A>G on the coding strand, the complement: BARD1 is on the minus strand). VCF-style: chr2-214797122-T-C. GRCh37 (hg19) VCF-style: chr2-215661846-T-C.
Other names: c.159-5A>G (LRG_297t1, NM_001282545.2, NM_001282549.2); c.158+12290A>G (NM_001282548.2); c.159-4677A>G (NM_001282543.2).
Identifiers: ClinVar variation 230087 (VCV000230087.15), dbSNP rs876658380, ClinGen allele CA10577860.

ClinVar aggregate classification (germline): Uncertain significance. Review status: criteria provided, multiple submitters, no conflicts (2 of 4 stars). 2 submissions from 2 submitters: Uncertain significance (2). Last evaluated 2023-05-25.

Conditions:
Hereditary cancer-predisposing syndrome. Also called: Hereditary neoplastic syndrome; Hereditary Cancer Syndrome; Neoplastic Syndromes, Hereditary; Tumor predisposition. Identifiers: Orphanet 140162, MedGen C0027672, MeSH D009386, MONDO:0015356.
Familial cancer of breast. Also called: Hereditary breast cancer; BREAST CANCER, FAMILIAL; hereditary breast carcinoma. Identifiers: Orphanet 227535, MedGen C0346153, MONDO:0016419, OMIM 114480. Disease mechanism: loss of function.

Allele frequency attached by ClinVar (database versions not stated): gnomAD exomes below 0.00001.
gnomAD v4.1: 1 of 1,611,388 alleles (0.000062%); highest among the groups gnomAD compares: Non-Finnish European, 0.000085%; no homozygotes.

Submissions (2):

Ambry Genetics
Classification: Uncertain significance for Hereditary cancer-predisposing syndrome. Last evaluated: 2023-05-25. Review status: criteria provided, single submitter. Criteria: Ambry Variant Classification Scheme 2023. Collection method: clinical testing. Allele origin: germline.
Comment: The c.159-5A>G intronic variant results from an A to G substitution 5 nucleotides before coding exon 2 in the BARD1 gene. This nucleotide position is well conserved in available vertebrate species. In silico splice site analysis predicts that this alteration may weaken the native splice acceptor site and will result in the creation or strengthening of a novel splice acceptor site. Since supporting evidence is limited at this time, the clinical significance of this alteration remains unclear.

Labcorp Genetics (formerly Invitae), Labcorp
Classification: Uncertain significance for Familial cancer of breast. Last evaluated: 2020-03-24. Review status: criteria provided, single submitter. Criteria: Invitae Variant Classification Sherloc (09022015). Collection method: clinical testing. Allele origin: germline.
Comment: Algorithms developed to predict the effect of sequence changes on RNA splicing suggest that this variant may disrupt the consensus splice site, but this prediction has not been confirmed by published transcriptional studies. This variant has not been reported in the literature in individuals with BARD1-related conditions. ClinVar contains an entry for this variant (Variation ID: 230087). This variant is not present in population databases (ExAC no frequency). This sequence change falls in intron 1 of the BARD1 gene. It does not directly change the encoded amino acid sequence of the BARD1 protein. In summary, the available evidence is currently insufficient to determine the role of this variant in disease. Therefore, it has been classified as a Variant of Uncertain Significance.